The following is an entry in ClinVar:

NM_020207.7(ERCC6L2):c.451G>A (p.Gly151Arg)

Gene: ERCC6L2 (ERCC excision repair 6 like 2; plus strand). Cytogenetic location: 9q22.32.
Variant type: single nucleotide variant.
Coding change: c.451G>A on transcript NM_020207.7 (MANE Select); coding-DNA position 451, G replaced by A.
Protein change: p.Gly151Arg; replaces glycine 151 with arginine.
Molecular consequence: missense variant. On other transcripts: non-coding transcript variant (1).
Genome position (GRCh38, 1-based): chr9:95,881,273, G>A. VCF-style: chr9-95881273-G-A. GRCh37 (hg19) VCF-style: chr9-98643555-G-A.
Other names: c.451G>A, p.Gly151Arg (NM_001010895.4, NM_001375291.1, NM_001375292.1 and 2 more transcripts); short protein forms G151R.
Identifiers: ClinVar variation 4019358 (VCV004019358.1).

ClinVar aggregate classification (germline): Uncertain significance (1 of 4 stars; one submission).

Conditions:
Inborn genetic diseases. Identifiers: MedGen C0950123, MeSH D030342.

gnomAD v4.1: 2 of 1,567,902 alleles (0.00013%); highest among the groups gnomAD compares: Non-Finnish European, 0.000086%; no homozygotes.

Submission:

Ambry Genetics
Classification: Uncertain significance for Inborn genetic diseases. Last evaluated: 2025-05-17. Review status: criteria provided, single submitter. Criteria: Ambry Variant Classification Scheme 2023. Collection method: clinical testing. Allele origin: germline.
Comment: The p.G151R variant (also known as c.451G>A), located in coding exon 2 of the ERCC6L2 gene, results from a G to A substitution at nucleotide position 451. The glycine at codon 151 is replaced by arginine, an amino acid with dissimilar properties. This amino acid position is conserved. In addition, this alteration is predicted to be deleterious by in silico analysis. Based on the available evidence, the clinical significance of this variant remains unclear.